The following is an entry in ClinVar:

ClinVar aggregate classification (germline): Uncertain significance (1 of 4 stars; one submission).

Conditions:
Developmental and epileptic encephalopathy, 42 (DEE42A). Also called: DEVELOPMENTAL AND EPILEPTIC ENCEPHALOPATHY 42A; EPILEPTIC ENCEPHALOPATHY, EARLY INFANTILE, 42A; Epileptic encephalopathy, early infantile, 42. Identifiers: MedGen C4310716, MONDO:0014917, OMIM 617106.
Episodic ataxia type 2 (EA2). Also called: ATAXIA, EPISODIC, WITH NYSTAGMUS; ATAXIA, FAMILIAL PAROXYSMAL; CEREBELLAR ATAXIA, PAROXYSMAL, ACETAZOLAMIDE-RESPONSIVE; CEREBELLOPATHY, HEREDITARY PAROXYSMAL; EPISODIC ATAXIA, NYSTAGMUS-ASSOCIATED; ACETAZOLAMIDE-RESPONSIVE HEREDITARY PAROXYSMAL CEREBELLAR ATAXIA. Identifiers: Orphanet 97, MedGen C1720416, MONDO:0007163, OMIM 108500.

Allele frequency attached by ClinVar (database versions not stated): gnomAD exomes 0.00001 and 0.00003; ExAC 0.00003.
gnomAD v4.1: 4 of 1,613,266 alleles (0.00025%); highest among the groups gnomAD compares: Admixed American, 0.0067%; no homozygotes.

Submission:

Labcorp Genetics (formerly Invitae), Labcorp
Classification: Uncertain significance for Developmental and epileptic encephalopathy, 42; Episodic ataxia type 2. Last evaluated: 2025-09-15. Review status: criteria provided, single submitter. Criteria: Invitae Variant Classification Sherloc (09022015). Collection method: clinical testing. Allele origin: germline.
Comment: This sequence change replaces asparagine, which is neutral and polar, with aspartic acid, which is acidic and polar, at codon 756 of the CACNA1A protein (p.Asn756Asp). This variant is present in population databases (rs762466161, gnomAD 0.01%). This variant has not been reported in the literature in individuals affected with CACNA1A-related conditions. ClinVar contains an entry for this variant (Variation ID: 1469647). Invitae Evidence Modeling of protein sequence and biophysical properties (such as structural, functional, and spatial information, amino acid conservation, physicochemical variation, residue mobility, and thermodynamic stability) indicates that this missense variant is expected to disrupt CACNA1A protein function with a positive predictive value of 95%. In summary, the available evidence is currently insufficient to determine the role of this variant in disease. Therefore, it has been classified as a Variant of Uncertain Significance.

NM_001127222.2(CACNA1A):c.2263A>G (p.Asn755Asp)

Gene: CACNA1A (calcium voltage-gated channel subunit alpha1 A; minus strand). Cytogenetic location: 19p13.13.
Variant type: single nucleotide variant.
Coding change: c.2263A>G on transcript NM_001127222.2 (MANE Select); coding-DNA position 2263, A replaced by G.
Protein change: p.Asn755Asp; replaces asparagine 755 with aspartic acid.
Molecular consequence: missense variant.
Genome position (GRCh38, 1-based): chr19:13,300,566, T>C on the plus strand (A>G on the coding strand, the complement: CACNA1A is on the minus strand). VCF-style: chr19-13300566-T-C. GRCh37 (hg19) VCF-style: chr19-13411380-T-C.
Other names: c.2275A>G, p.Asn759Asp (NM_000068.4, NM_023035.3); c.2266A>G, p.Asn756Asp (NM_001127221.2, NM_001174080.2); short protein forms N755D, N756D, N759D.
Identifiers: ClinVar variation 1469647 (VCV001469647.6), dbSNP rs762466161, ClinGen allele CA9240602.